The following is an entry in ClinVar:

ClinVar aggregate classification (germline): Uncertain significance. Review status: criteria provided, multiple submitters, no conflicts (2 of 4 stars). 2 submissions from 2 submitters: Uncertain significance (2). Last evaluated 2025-11-20.

Conditions:
Inborn genetic diseases. Identifiers: MedGen C0950123, MeSH D030342.
Compton-North congenital myopathy (CMYO12). Identifiers: Orphanet 210163, MedGen C2675527, MONDO:0012929, OMIM 612540.

Allele frequency attached by ClinVar (database versions not stated): gnomAD exomes below 0.00001 and 0.00001; TOPMed below 0.00001.
gnomAD v4.1: 5 of 1,613,514 alleles (0.00031%); highest among the groups gnomAD compares: Admixed American, 0.0033%; no homozygotes.

Submissions (2):

Ambry Genetics
Classification: Uncertain significance for Inborn genetic diseases. Last evaluated: 2025-11-20. Review status: criteria provided, single submitter. Criteria: Ambry Variant Classification Scheme 2023. Collection method: clinical testing. Allele origin: germline.

Labcorp Genetics (formerly Invitae), Labcorp
Classification: Uncertain significance for Compton-North congenital myopathy. Last evaluated: 2021-06-11. Review status: criteria provided, single submitter. Criteria: Invitae Variant Classification Sherloc (09022015). Collection method: clinical testing. Allele origin: germline.
Comment: In summary, the available evidence is currently insufficient to determine the role of this variant in disease. Therefore, it has been classified as a Variant of Uncertain Significance. Algorithms developed to predict the effect of missense changes on protein structure and function are either unavailable or do not agree on the potential impact of this missense change (SIFT: "Deleterious"; PolyPhen-2: "Benign"; Align-GVGD: "Class C55"). This variant has not been reported in the literature in individuals with CNTN1-related conditions. This variant is not present in population databases (ExAC no frequency). This sequence change replaces alanine with valine at codon 410 of the CNTN1 protein (p.Ala410Val). The alanine residue is highly conserved and there is a small physicochemical difference between alanine and valine.

NM_001843.4(CNTN1):c.1229C>T (p.Ala410Val)

Gene: CNTN1 (contactin 1; plus strand). Cytogenetic location: 12q12.
Variant type: single nucleotide variant.
Coding change: c.1229C>T on transcript NM_001843.4 (MANE Select); coding-DNA position 1229, C replaced by T.
Protein change: p.Ala410Val; replaces alanine 410 with valine.
Molecular consequence: missense variant.
Genome position (GRCh38, 1-based): chr12:40,939,335, C>T. VCF-style: chr12-40939335-C-T. GRCh37 (hg19) VCF-style: chr12-41333137-C-T.
Other names: c.1229C>T (NM_001843.2); c.1229C>T, p.Ala410Val (NM_001256063.2, NM_001256064.2); c.1196C>T, p.Ala399Val (NM_175038.2); short protein forms A399V, A410V.
Identifiers: ClinVar variation 1371465 (VCV001371465.7), dbSNP rs896129454, ClinGen allele CA235402938.